The following is an entry in ClinVar:

NM_006493.4(CLN5):c.92C>A (p.Ala31Glu)

Genes: CLN5 (CLN5 lysosomal BMP synthase; plus strand), LOC130009913 (ATAC-STARR-seq lymphoblastoid silent region 5414; plus strand). Cytogenetic location: 13q22.3.
Variant type: single nucleotide variant.
Coding change: c.92C>A on transcript NM_006493.4 (MANE Select); coding-DNA position 92, C replaced by A.
Protein change: p.Ala31Glu; replaces alanine 31 with glutamic acid.
Molecular consequence: missense variant.
Genome position (GRCh38, 1-based): chr13:76,992,190, C>A. VCF-style: chr13-76992190-C-A. GRCh37 (hg19) VCF-style: chr13-77566325-C-A.
Other names: c.92C>A, p.Ala31Glu (NM_001366624.2); short protein forms A31E.
Identifiers: ClinVar variation 943260 (VCV000943260.12), dbSNP rs766858440, ClinGen allele CA7007122.

ClinVar aggregate classification (germline): Uncertain significance. Review status: criteria provided, multiple submitters, no conflicts (2 of 4 stars). 3 submissions from 3 submitters: Uncertain significance (2). 1 of the submissions does not count toward it. Last evaluated 2023-12-07.

Conditions:
Inborn genetic diseases. Identifiers: MedGen C0950123, MeSH D030342.
Neuronal ceroid lipofuscinosis. Also called: Neuronal Ceroid Lipofuscinoses. Identifiers: Orphanet 216, Orphanet 79263, MedGen C0027877, MONDO:0016295. Disease mechanism: loss of function.

Allele frequency attached by ClinVar (database versions not stated): ExAC below 0.00001; TOPMed 0.00003.
gnomAD v4.1: 7 of 1,604,984 alleles (0.00044%); highest among the groups gnomAD compares: South Asian, 0.0033%; no homozygotes.

Submissions (3):

Ambry Genetics
Classification: Uncertain significance for Inborn genetic diseases. Last evaluated: 2023-12-07. Review status: criteria provided, single submitter. Criteria: Ambry Variant Classification Scheme 2023. Collection method: clinical testing. Allele origin: germline.

Labcorp Genetics (formerly Invitae), Labcorp
Classification: Uncertain significance for Neuronal ceroid lipofuscinosis. Last evaluated: 2022-06-13. Review status: criteria provided, single submitter. Criteria: Invitae Variant Classification Sherloc (09022015). Collection method: clinical testing. Allele origin: germline.
Comment: This sequence change replaces alanine, which is neutral and non-polar, with glutamic acid, which is acidic and polar, at codon 80 of the CLN5 protein (p.Ala80Glu). This variant is not present in population databases (gnomAD no frequency). This variant has not been reported in the literature in individuals affected with CLN5-related conditions. ClinVar contains an entry for this variant (Variation ID: 943260). Algorithms developed to predict the effect of missense changes on protein structure and function are either unavailable or do not agree on the potential impact of this missense change (SIFT: "Tolerated"; PolyPhen-2: "Possibly Damaging"; Align-GVGD: "Class C0"). In summary, the available evidence is currently insufficient to determine the role of this variant in disease. Therefore, it has been classified as a Variant of Uncertain Significance.

Natera, Inc.
Classification: Uncertain significance for Neuronal ceroid lipofuscinosis. Last evaluated: 2020-05-22. Review status: no assertion criteria provided. Collection method: clinical testing. Allele origin: germline. Not counted in ClinVar's aggregate classification.